The following is an entry in ClinVar:

ClinVar aggregate classification (germline): Uncertain significance (1 of 4 stars; one submission).

Submission:

Labcorp Genetics (formerly Invitae), Labcorp
Classification: Uncertain significance. Last evaluated: 2024-07-08. Review status: criteria provided, single submitter. Criteria: Invitae Variant Classification Sherloc (09022015). Collection method: clinical testing. Allele origin: germline.
Comment: This sequence change replaces glutamic acid, which is acidic and polar, with alanine, which is neutral and non-polar, at codon 2395 of the KMT2B protein (p.Glu2395Ala). This variant is not present in population databases (gnomAD no frequency). This variant has not been reported in the literature in individuals affected with KMT2B-related conditions. Advanced modeling of protein sequence and biophysical properties (such as structural, functional, and spatial information, amino acid conservation, physicochemical variation, residue mobility, and thermodynamic stability) performed at Invitae indicates that this missense variant is not expected to disrupt KMT2B protein function with a negative predictive value of 80%. Algorithms developed to predict the effect of sequence changes on RNA splicing suggest that this variant may create or strengthen a splice site. In summary, the available evidence is currently insufficient to determine the role of this variant in disease. Therefore, it has been classified as a Variant of Uncertain Significance.

NM_014727.3(KMT2B):c.7184A>C (p.Glu2395Ala)

Gene: KMT2B (lysine methyltransferase 2B; plus strand). Cytogenetic location: 19q13.12.
Variant type: single nucleotide variant.
Coding change: c.7184A>C on transcript NM_014727.3 (MANE Select); coding-DNA position 7184, A replaced by C.
Protein change: p.Glu2395Ala; replaces glutamic acid 2395 with alanine.
Molecular consequence: missense variant.
Genome position (GRCh38, 1-based): chr19:35,736,714, A>C. VCF-style: chr19-35736714-A-C. GRCh37 (hg19) VCF-style: chr19-36227615-A-C.
Other names: short protein forms E2395A.
Identifiers: ClinVar variation 3651396 (VCV003651396.2).